The following is an entry in ClinVar:

ClinVar aggregate classification (germline): Uncertain significance (1 of 4 stars; one submission).

Allele frequency attached by ClinVar (database versions not stated): gnomAD exomes below 0.00001.
gnomAD v4.1: 1 of 1,614,220 alleles (0.000062%); highest among the groups gnomAD compares: Admixed American, 0.0017%; no homozygotes.

Submission:

GeneDx
Classification: Uncertain significance. Last evaluated: 2022-04-29. Review status: criteria provided, single submitter. Criteria: GeneDx Variant Classification Process June 2021. Collection method: clinical testing. Allele origin: germline. Affected: yes.
Comment: Not observed at significant frequency in large population cohorts (gnomAD); In silico analysis supports that this missense variant does not alter protein structure/function; Additionally, in silico analysis, which includes splice predictors and evolutionary conservation, suggests this variant may impact gene splicing. In the absence of RNA/functional studies, the actual effect of this sequence change is unknown.; Has not been previously published as pathogenic or benign to our knowledge

NM_033343.4(LHX4):c.1006A>G (p.Ser336Gly)

Genes: ACBD6 (acyl-CoA binding domain containing 6; minus strand), LHX4 (LIM homeobox 4; plus strand), LHX4-AS1 (LHX4 antisense RNA 1; minus strand). Cytogenetic location: 1q25.2.
Variant type: single nucleotide variant.
Coding change: c.1006A>G on transcript NM_033343.4 (MANE Select); coding-DNA position 1006, A replaced by G.
Protein change: p.Ser336Gly; replaces serine 336 with glycine.
Molecular consequence: missense variant.
Genome position (GRCh38, 1-based): chr1:180,274,412, A>G. VCF-style: chr1-180274412-A-G. GRCh37 (hg19) VCF-style: chr1-180243547-A-G.
Other names: short protein forms S336G.
Identifiers: ClinVar variation 1723057 (VCV001723057.2), dbSNP rs2528266328, ClinGen allele CA343600435.